The following is an entry in ClinVar:

ClinVar aggregate classification (germline): Conflicting classifications of pathogenicity. Review status: criteria provided, conflicting classifications (1 of 4 stars). 5 submissions from 5 submitters: Uncertain significance (4); Likely benign (1). Last evaluated 2026-06-01.

Conditions:
Familial thoracic aortic aneurysm and aortic dissection (TAAD). Also called: Thoracic aortic aneurysms and dissections. Identifiers: Orphanet 91387, MedGen C4707243, MONDO:0019625.
Rienhoff syndrome. Also called: LOEYS-DIETZ SYNDROME 5. Identifiers: MedGen C3810012, MONDO:0014262, OMIM 615582.

Allele frequency attached by ClinVar (database versions not stated): gnomAD 0.00003; ESP Exome Variant Server 0.00008; ExAC 0.00010; TOPMed 0.00010; 1000 Genomes Project 0.00060; 1000 Genomes Project 30x 0.00062.
gnomAD v4.1: 80 of 1,614,140 alleles (0.005%); highest among the groups gnomAD compares: Admixed American, 0.05%; no homozygotes.

Submissions (5):

CeGaT Center for Human Genetics Tuebingen
Classification: Likely benign. Last evaluated: 2026-06-01. Review status: criteria provided, single submitter. Criteria: CeGaT Center For Human Genetics Tuebingen Variant Classification Criteria Version 2. Collection method: clinical testing. Allele origin: germline. Affected: yes. Observed: 4 variant alleles.
Comment: TGFB3: BP4

Women's Health and Genetics/Laboratory Corporation of America, LabCorp
Classification: Uncertain significance. Last evaluated: 2026-01-26. Review status: criteria provided, single submitter. Criteria: LabCorp Variant Classification Summary - May 2015. Collection method: clinical testing. Allele origin: germline.
Comment: Variant summary: TGFB3 c.797G>A (p.Arg266His) results in a non-conservative amino acid change in the encoded protein sequence. Algorithms developed to predict the effect of missense changes on protein structure and function are either unavailable or do not agree on the potential impact of this missense change. The variant allele was found at a frequency of 9.9e-05 in 251432 control chromosomes. This frequency is not significantly higher than estimated for disease-causing variants in TGFB3, allowing no conclusion about variant significance. c.797G>A has been reported in the literature in an individual affected with with thoracic aortic disease without strong evidence for causality (Overwater_2018). These report(s) do not provide unequivocal conclusions about association of the variant with Loeys-Dietz Syndrome. To our knowledge, no experimental evidence demonstrating an impact on protein function has been reported. The following publication has been ascertained in the context of this evaluation (PMID: 29907982). ClinVar contains an entry for this variant (Variation ID: 392606). Based on the evidence outlined above, the variant was classified as uncertain significance.

Labcorp Genetics (formerly Invitae), Labcorp
Classification: Uncertain significance for Rienhoff syndrome. Last evaluated: 2025-12-19. Review status: criteria provided, single submitter. Criteria: Invitae Variant Classification Sherloc (09022015). Collection method: clinical testing. Allele origin: germline.
Comment: This sequence change replaces arginine, which is basic and polar, with histidine, which is basic and polar, at codon 266 of the TGFB3 protein (p.Arg266His). This variant is present in population databases (rs142069844, gnomAD 0.04%), and has an allele count higher than expected for a pathogenic variant. This missense change has been observed in individual(s) with TGFB3-related disease (PMID: 29907982). ClinVar contains an entry for this variant (Variation ID: 392606). Invitae Evidence Modeling of protein sequence and biophysical properties (such as structural, functional, and spatial information, amino acid conservation, physicochemical variation, residue mobility, and thermodynamic stability) indicates that this missense variant is not expected to disrupt TGFB3 protein function with a negative predictive value of 80%. In summary, the available evidence is currently insufficient to determine the role of this variant in disease. Therefore, it has been classified as a Variant of Uncertain Significance.

Ambry Genetics
Classification: Uncertain significance for Familial thoracic aortic aneurysm and aortic dissection. Last evaluated: 2024-10-16. Review status: criteria provided, single submitter. Criteria: Ambry Variant Classification Scheme 2023. Collection method: clinical testing. Allele origin: germline.
Comment: The p.R266H variant (also known as c.797G>A), located in coding exon 5 of the TGFB3 gene, results from a G to A substitution at nucleotide position 797. The arginine at codon 266 is replaced by histidine, an amino acid with highly similar properties. This variant was detected in one individual with dilated aortic root, pectus deformity, and soft skin (Overwater E et al. Hum Mutat, 2018 09;39:1173-1192). This amino acid position is well conserved in available vertebrate species. In addition, this alteration is predicted to be tolerated by in silico analysis. Since supporting evidence is limited at this time, the clinical significance of this alteration remains unclear.

GeneDx
Classification: Uncertain significance. Last evaluated: 2017-01-10. Review status: criteria provided, single submitter. Criteria: GeneDx Variant Classification (06012015). Collection method: clinical testing. Allele origin: germline. Affected: yes.
Comment: A variant of uncertain significance has been identified in the TGFB3 gene. The R266H variant has not been published as a pathogenic variant, nor has it been reported as a benign variant to our knowledge. It was not observed with any significant frequency in approximately 6,500 individuals of European and African American ancestry in the NHLBI Exome Sequencing Project, indicating it is not a common benign variant in these populations. Although the R266H substitution occurs at a position that is conserved through mammals, R266H is a conservative amino acid substitution, which is not likely to impact secondary protein structure as these residues share similar properties. Finally, in silico analysis is inconsistent in its predictions as to whether or not the variant is damaging to the protein structure/function

Literature cited by the submitters: PubMed 29907982 (cited by 3 submitters).

NM_003239.5(TGFB3):c.797G>A (p.Arg266His)

Gene: TGFB3 (transforming growth factor beta 3; minus strand). Cytogenetic location: 14q24.3.
Variant type: single nucleotide variant.
Coding change: c.797G>A on transcript NM_003239.5 (MANE Select); coding-DNA position 797, G replaced by A.
Protein change: p.Arg266His; replaces arginine 266 with histidine.
Molecular consequence: missense variant.
Genome position (GRCh38, 1-based): chr14:75,963,445, C>T on the plus strand (G>A on the coding strand, the complement: TGFB3 is on the minus strand). VCF-style: chr14-75963445-C-T. GRCh37 (hg19) VCF-style: chr14-76429788-C-T.
Other names: c.797G>A, p.Arg266His (NM_001329938.2, NM_001329939.2); c.797G>A (NM_003239.4); short protein forms R266H.
Identifiers: ClinVar variation 392606 (VCV000392606.40), dbSNP rs142069844, ClinGen allele CA7280334.